The following is an entry in ClinVar:

ClinVar aggregate classification (germline): Likely pathogenic. Review status: criteria provided, single submitter (1 of 4 stars). 2 submissions from 2 submitters: Likely pathogenic (1). 1 of the submissions does not count toward it. Last evaluated 2021-07-25.

Conditions:
Mucolipidosis type IV (ML4). Also called: ML IV. Identifiers: Orphanet 578, MedGen C0238286, MONDO:0009653, OMIM 252650.

Submissions (2):

Labcorp Genetics (formerly Invitae), Labcorp
Classification: Likely pathogenic for Mucolipidosis type IV. Last evaluated: 2021-07-25. Review status: criteria provided, single submitter. Criteria: Invitae Variant Classification Sherloc (09022015). Collection method: clinical testing. Allele origin: germline.
Comment: In summary, the currently available evidence indicates that the variant is pathogenic, but additional data are needed to prove that conclusively. Therefore, this variant has been classified as Likely Pathogenic. Algorithms developed to predict the effect of sequence changes on RNA splicing suggest that this variant may disrupt the consensus splice site. This variant has not been reported in the literature in individuals affected with MCOLN1-related conditions. This variant is not present in population databases (ExAC no frequency). This sequence change affects an acceptor splice site in intron 1 of the MCOLN1 gene. It is expected to disrupt RNA splicing. Variants that disrupt the donor or acceptor splice site typically lead to a loss of protein function (PMID: 16199547), and loss-of-function variants in MCOLN1 are known to be pathogenic (PMID: 11030752, 11317355).

Hong-Tao Li Lab, Institute of Brain Science and Brain-inspired Research, Shandong First Medical University & Shandong Academy of Medical Sciences China
Classification: Pathogenic for Mucolipidosis type IV. Review status: no assertion criteria provided. Collection method: research. Allele origin: germline. Inheritance: Autosomal recessive inheritance. Affected: yes. Observed: 1 variant allele, 1 homozygote. Not counted in ClinVar's aggregate classification.
Comment: Observed in affected individuals from a Pakistani neurodevelopmental-disorder research cohort of 263 individuals. Classification assigned using the ACMG/AMP framework.

Literature cited by the submitters: PubMed 16199547 (cited by Labcorp Genetics (formerly Invitae), Labcorp); PubMed 11030752 (cited by Labcorp Genetics (formerly Invitae), Labcorp); PubMed 11317355 (cited by Labcorp Genetics (formerly Invitae), Labcorp).

NM_020533.3(MCOLN1):c.32-1G>C

Gene: MCOLN1 (mucolipin TRP cation channel 1; plus strand). Cytogenetic location: 19p13.2.
Variant type: single nucleotide variant.
Coding change: c.32-1G>C on transcript NM_020533.3 (MANE Select); the canonical splice acceptor site of the intron before coding-DNA position 32, G replaced by C.
Molecular consequence: splice acceptor variant.
Genome position (GRCh38, 1-based): chr19:7,524,960, G>C. VCF-style: chr19-7524960-G-C. GRCh37 (hg19) VCF-style: chr19-7589846-G-C.
Identifiers: ClinVar variation 1469759 (VCV001469759.7), dbSNP rs2146021137, ClinGen allele CA403152313.